The following is an entry in ClinVar:

ClinVar aggregate classification (germline): Uncertain significance (1 of 4 stars; one submission).

Submission:

GeneDx
Classification: Uncertain significance. Last evaluated: 2025-03-25. Review status: criteria provided, single submitter. Criteria: GeneDx Variant Classification Process June 2021. Collection method: clinical testing. Allele origin: germline. Affected: yes.
Comment: Not observed at significant frequency in large population cohorts (gnomAD); In silico analysis supports that this missense variant has a deleterious effect on protein structure/function; Has not been previously published as pathogenic or benign to our knowledge; This substitution is predicted to be within the transmembrane segment S1 of the fourth homologous domain.

NM_001165963.4(SCN1A):c.4644G>T (p.Met1548Ile)

Genes: SCN1A (sodium voltage-gated channel alpha subunit 1; minus strand), LOC102724058 (uncharacterized LOC102724058; plus strand). Cytogenetic location: 2q24.3.
Variant type: single nucleotide variant.
Coding change: c.4644G>T on transcript NM_001165963.4 (MANE Select); coding-DNA position 4644, G replaced by T.
Protein change: p.Met1548Ile; replaces methionine 1548 with isoleucine.
Molecular consequence: missense variant. On other transcripts: non-coding transcript variant (1).
Genome position (GRCh38, 1-based): chr2:165,994,354, C>A on the plus strand (G>T on the coding strand, the complement: SCN1A is on the minus strand). VCF-style: chr2-165994354-C-A. GRCh37 (hg19) VCF-style: chr2-166850864-C-A.
Other names: c.4560G>T, p.Met1520Ile (NM_001165964.3, NM_001353957.2, NM_001353958.2); c.4644G>T, p.Met1548Ile (NM_001202435.3, NM_001353948.2); c.4611G>T, p.Met1537Ile (NM_006920.6, NM_001353949.2, NM_001353950.2 and 2 more transcripts); c.4608G>T, p.Met1536Ile (NM_001353954.2, NM_001353955.2); c.4557G>T, p.Met1519Ile (NM_001353960.2); c.2202G>T, p.Met734Ile (NM_001353961.2); short protein forms M1519I, M1520I, M1536I, M1537I, M1548I, M734I.
Identifiers: ClinVar variation 4278698 (VCV004278698.1).